The following is an entry in ClinVar:

NM_001848.3(COL6A1):c.98-2_103del

Gene: COL6A1 (collagen type VI alpha 1 chain; plus strand). Cytogenetic location: 21q22.3.
Variant type: Deletion.
Coding change: c.98-2_103del on transcript NM_001848.3 (MANE Select); the canonical splice acceptor site of the intron before coding-DNA position 98 through coding-DNA position 103, 8 bases deleted (AGACTGCC; older notation c.98-2_103delAGACTGCC).
Molecular consequence: splice acceptor variant.
Genome position (GRCh38, 1-based): chr21:45,982,632-45,982,639, AGACTGCC deleted; deleting any 8 consecutive bases within chr21:45,982,629-45,982,639 gives the same sequence; the c. name uses the placement nearest the transcript's 3' end. VCF-style (leftmost placement, unchanged base first): chr21-45982628-GGCCAGACT-G. GRCh37 (hg19) VCF-style: chr21-47402542-GGCCAGACT-G.
Identifiers: ClinVar variation 497044 (VCV000497044.12), dbSNP rs1556423703, ClinGen allele CA658799464.

ClinVar aggregate classification (germline): Pathogenic/Likely pathogenic. Review status: criteria provided, multiple submitters, no conflicts (2 of 4 stars). 2 submissions from 2 submitters: Pathogenic (1); Likely pathogenic (1). Last evaluated 2019-12-15.

Conditions:
Bethlem myopathy 1A. Also called: Bethlem Muscular Dystrophy; MYOPATHY, BENIGN CONGENITAL, WITH CONTRACTURES; Bethlem myopathy 1. Identifiers: Orphanet 610, MedGen CN029274, MONDO:0024530, OMIM 158810.

Submissions (2):

Labcorp Genetics (formerly Invitae), Labcorp
Classification: Likely pathogenic for Bethlem myopathy 1A. Last evaluated: 2019-12-15. Review status: criteria provided, single submitter. Criteria: Invitae Variant Classification Sherloc (09022015). Collection method: clinical testing. Allele origin: germline.
Comment: In summary, the currently available evidence indicates that the variant is pathogenic, but additional data are needed to prove that conclusively. Therefore, this variant has been classified as Likely Pathogenic. Loss-of-function variants in COL6A1 are known to be pathogenic (PMID: 19884007, 20976770). This variant has not been reported in the literature in individuals with COL6A1-related conditions. This variant is not present in population databases (ExAC no frequency). This variant results in the deletion of part of exon 2 (c.98-2_103del) of the COL6A1 gene. It is expected to disrupt RNA splicing and likely results in an absent or disrupted protein product.

Eurofins Ntd Llc (ga)
Classification: Pathogenic. Last evaluated: 2016-02-02. Review status: criteria provided, single submitter. Criteria: EGL Classification Definitions 2015. Collection method: clinical testing. Allele origin: germline. Observed: 1 variant allele, 1 heterozygote.

Literature cited by the submitters: PubMed 19884007 (cited by Labcorp Genetics (formerly Invitae), Labcorp); PubMed 20976770 (cited by Labcorp Genetics (formerly Invitae), Labcorp).